The following is an entry in ClinVar:

ClinVar aggregate classification (germline): Uncertain significance (1 of 4 stars; one submission).

Conditions:
Brugada syndrome. Also called: Sudden unexplained nocturnal death syndrome; Sudden unexpected nocturnal death syndrome; Sudden Unexplained Death Syndrome; Sudden Unexplained Nocturnal Death Syndrome (SUNDS). Identifiers: Orphanet 130, MedGen C1142166, MONDO:0015263.

Submission:

Labcorp Genetics (formerly Invitae), Labcorp
Classification: Uncertain significance for Brugada syndrome. Last evaluated: 2017-10-22. Review status: criteria provided, single submitter. Criteria: Invitae Variant Classification Sherloc (09022015). Collection method: clinical testing. Allele origin: germline.
Comment: This variant is not present in population databases (ExAC no frequency). This variant has not been reported in the literature in individuals with SCN10A-related disease. Algorithms developed to predict the effect of missense changes on protein structure and function do not agree on the potential impact of this missense change (SIFT: "Deleterious"; PolyPhen-2: "Probably Damaging"; Align-GVGD: "Class C0"). Algorithms developed to predict the effect of sequence changes on RNA splicing suggest that this variant may create or strengthen a splice site, but this prediction has not been confirmed by published transcriptional studies. In summary, the available evidence is currently insufficient to determine the role of this variant in disease. Therefore, it has been classified as a Variant of Uncertain Significance. This sequence change replaces asparagine with serine at codon 1715 of the SCN10A protein (p.Asn1715Ser). The asparagine residue is moderately conserved and there is a small physicochemical difference between asparagine and serine.

NM_006514.4(SCN10A):c.5144A>G (p.Asn1715Ser)

Gene: SCN10A (sodium voltage-gated channel alpha subunit 10; minus strand). Cytogenetic location: 3p22.2.
Variant type: single nucleotide variant.
Coding change: c.5144A>G on transcript NM_006514.4 (MANE Select); coding-DNA position 5144, A replaced by G.
Protein change: p.Asn1715Ser; replaces asparagine 1715 with serine.
Molecular consequence: missense variant.
Genome position (GRCh38, 1-based): chr3:38,698,076, T>C on the plus strand (A>G on the coding strand, the complement: SCN10A is on the minus strand). VCF-style: chr3-38698076-T-C. GRCh37 (hg19) VCF-style: chr3-38739567-T-C.
Other names: c.5141A>G, p.Asn1714Ser (NM_001293306.2); c.4850A>G, p.Asn1617Ser (NM_001293307.2); short protein forms N1715S, N1714S, N1617S.
Identifiers: ClinVar variation 532065 (VCV000532065.5), dbSNP rs777258179, ClinGen allele CA352154415.